The following is an entry in ClinVar:

ClinVar aggregate classification (germline): Uncertain significance (1 of 4 stars; one submission).

Submission:

CeGaT Center for Human Genetics Tuebingen
Classification: Uncertain significance. Last evaluated: 2023-01-01. Review status: criteria provided, single submitter. Criteria: CeGaT Center For Human Genetics Tuebingen Variant Classification Criteria Version 2. Collection method: clinical testing. Allele origin: germline. Affected: yes. Observed: 1 variant allele.
Comment: TIA1: PM2, PP3

NM_022173.4(TIA1):c.26+2_26+3del

Gene: TIA1 (TIA1 cytotoxic granule associated RNA binding protein; minus strand). Cytogenetic location: 2p13.3.
Variant type: Microsatellite.
Coding change: c.26+2_26+3del on transcript NM_022173.4 (MANE Select); the canonical splice donor site of the intron after coding-DNA position 26 through 3 bases into the intron after coding-DNA position 26, 2 bases deleted (TG; older notation c.26+2_26+3delTG).
Molecular consequence: splice donor variant. On other transcripts: intron variant (3).
Genome position (GRCh38, 1-based): chr2:70,248,402-70,248,403, CA deleted on the plus strand (TG on the coding strand, the reverse complement: TIA1 is on the minus strand); deleting any 2 consecutive bases within chr2:70,248,402-70,248,405 gives the same sequence; the c. name uses the placement nearest the transcript's 3' end. VCF-style (leftmost placement, unchanged base first): chr2-70248401-TCA-T. GRCh37 (hg19) VCF-style: chr2-70475533-TCA-T.
Other names: c.-86+260_-86+261del (NM_001351513.1, NM_001351511.1, NM_001351512.1); c.-73+2_-73+3del (NM_001351514.2, NM_001351523.2); c.-390+2_-390+3del (NM_001351524.2); c.-613+2_-613+3del (NM_001351517.2); c.26+2_26+3del (NM_001351510.2, NM_022037.4, NM_001351508.2 and 7 more transcripts); c.-428+2_-428+3del (NM_001351525.2); c.-364+2_-364+3del (NM_001351515.2).
Identifiers: ClinVar variation 2498823 (VCV002498823.28), dbSNP rs2467715059, ClinGen allele CA2580611647.